The following is an entry in ClinVar:

NM_000059.4(BRCA2):c.5350_5351delinsT (p.Asn1784fs)

Gene: BRCA2 (BRCA2 DNA repair associated; plus strand). Cytogenetic location: 13q13.1.
Variant type: Indel.
Coding change: c.5350_5351delinsT on transcript NM_000059.4 (MANE Select); coding-DNA positions 5350 to 5351, AA replaced by T.
Protein change: p.Asn1784fs; shifts the reading frame from asparagine 1784.
Molecular consequence: frameshift variant.
Genome position (GRCh38, 1-based): chr13:32,339,705-32,339,706, AA replaced by T. VCF-style: chr13-32339705-AA-T. GRCh37 (hg19) VCF-style: chr13-32913842-AA-T.
Other names: 5578delAAinsT; c.5350_5351delAAinsT (NM_000059.3); short protein forms N1784fs.
Identifiers: ClinVar variation 51844 (VCV000051844.11), dbSNP rs397507779, ClinGen allele CA022100.

ClinVar aggregate classification (germline): Pathogenic. Review status: reviewed by expert panel (3 of 4 stars). 6 submissions from 6 submitters: Pathogenic (1). 5 of the submissions do not count toward it. Last evaluated 2016-10-18.

Conditions:
Hereditary breast ovarian cancer syndrome. Also called: Hereditary breast and ovarian cancer syndrome; Hereditary breast and ovarian cancer; Hereditary breast and ovarian cancer syndrome (HBOC); Breast and ovarian cancer; Hereditary breast and/or ovarian cancer syndrome; BRCA1- and BRCA2-Associated Hereditary Breast and Ovarian Cancer. Identifiers: Orphanet 145, MedGen C0677776, MeSH D061325, MONDO:0003582. Disease mechanism: loss of function.
Hereditary cancer-predisposing syndrome. Also called: Neoplastic Syndromes, Hereditary; Tumor predisposition; Hereditary neoplastic syndrome; Hereditary Cancer Syndrome. Identifiers: Orphanet 140162, MedGen C0027672, MeSH D009386, MONDO:0015356.
Breast-ovarian cancer, familial, susceptibility to, 2 (BROVCA2). Also called: BRCA2 Hereditary Breast and Ovarian Cancer. Identifiers: Orphanet 145, MedGen C2675520, MONDO:0012933, OMIM 612555. Disease mechanism: loss of function.

Submissions (6):

Evidence-based Network for the Interpretation of Germline Mutant Alleles (ENIGMA)
Classification: Pathogenic for Breast-ovarian cancer, familial, susceptibility to, 2. Last evaluated: 2016-10-18. Review status: reviewed by expert panel. Criteria: ENIGMA BRCA1/2 Classification Criteria (2015). Collection method: curation. Allele origin: germline.
Comment: Variant allele predicted to encode a truncated non-functional protein.

Women's Health and Genetics/Laboratory Corporation of America, LabCorp
Classification: Pathogenic for Hereditary breast ovarian cancer syndrome. Last evaluated: 2023-09-29. Review status: criteria provided, single submitter. Criteria: LabCorp Variant Classification Summary - May 2015. Collection method: clinical testing. Allele origin: germline. Not counted in ClinVar's aggregate classification.
Comment: Variant summary: BRCA2 c.5350_5351delinsT (p.Asn1784SerfsX7) results in a premature termination codon, predicted to cause a truncation of the encoded protein or absence of the protein due to nonsense mediated decay, which are commonly known mechanisms for disease. The variant was absent in 250546 control chromosomes (gnomAD). c.5350_5351delinsT has been reported in the literature in individuals affected with Hereditary Breast And Ovarian Cancer Syndrome (e.g., Rebbeck_2018). These data indicate that the variant is very likely to be associated with disease. The following publication was ascertained in the context of this evaluation (PMID: 29446198). Three submitters have reported clinical-significance assessments for this variant to ClinVar after 2014. All submitters classified the variant as pathogenic. Based on the evidence outlined above, the variant was classified as pathogenic.

GeneDx
Classification: Pathogenic. Last evaluated: 2023-08-10. Review status: criteria provided, single submitter. Criteria: GeneDx Variant Classification Process June 2021. Collection method: clinical testing. Allele origin: germline. Affected: yes. Not counted in ClinVar's aggregate classification.
Comment: Frameshift variant predicted to result in protein truncation or nonsense mediated decay in a gene for which loss of function is a known mechanism of disease; Identified in individual(s) with personal or family history of breast and/or ovarian cancer (Infante et al., 2006); Not observed at significant frequency in large population cohorts (gnomAD); Truncating variants in this gene are considered pathogenic by a well-established clinical consortium and/or database; Also known as 5578_5579delAAinsT; This variant is associated with the following publications: (PMID: 29446198, 16758124)

Ambry Genetics
Classification: Pathogenic for Hereditary cancer-predisposing syndrome. Last evaluated: 2023-03-08. Review status: criteria provided, single submitter. Criteria: Ambry Variant Classification Scheme 2023. Collection method: clinical testing. Allele origin: germline. Not counted in ClinVar's aggregate classification.
Comment: The c.5350_5351delAAinsT pathogenic mutation, located in coding exon 10 of the BRCA2 gene, results from the deletion of two nucleotides and insertion of one nucleotide causing a translational frameshift with a predicted alternate stop codon (p.N1784Sfs*7). This alteration was identified in a large, worldwide study of BRCA1/2 mutation positive families (Rebbeck TR et al. Hum Mutat, 2018 May;39:593-620). This variant is considered to be rare based on population cohorts in the Genome Aggregation Database (gnomAD). In addition to the clinical data presented in the literature, this alteration is expected to result in loss of function by premature protein truncation or nonsense-mediated mRNA decay. As such, this alteration is interpreted as a disease-causing mutation.

Labcorp Genetics (formerly Invitae), Labcorp
Classification: Pathogenic for Hereditary breast ovarian cancer syndrome. Last evaluated: 2022-07-26. Review status: criteria provided, single submitter. Criteria: Invitae Variant Classification Sherloc (09022015). Collection method: clinical testing. Allele origin: germline. Not counted in ClinVar's aggregate classification.
Comment: This sequence change creates a premature translational stop signal (p.Asn1784Serfs*7) in the BRCA2 gene. It is expected to result in an absent or disrupted protein product. Loss-of-function variants in BRCA2 are known to be pathogenic (PMID: 20104584). This variant is not present in population databases (gnomAD no frequency). This premature translational stop signal has been observed in individual(s) with breast, ovarian, and prostate cancer (PMID: 8988179, 22923021, 25863477, 26360800). This variant is also known as 5573delA, 5579delA and c.5351insA (p.Asn1784Lysfs*3). ClinVar contains an entry for this variant (Variation ID: 37961). For these reasons, this variant has been classified as Pathogenic.

Consortium of Investigators of Modifiers of BRCA1/2 (CIMBA), c/o University of Cambridge
Classification: Pathogenic for Breast-ovarian cancer, familial, susceptibility to, 2. Last evaluated: 2015-10-02. Review status: criteria provided, single submitter. Criteria: CIMBA Mutation Classification guidelines May 2016. Collection method: clinical testing. Allele origin: germline. Not counted in ClinVar's aggregate classification.

Literature cited by the submitters: PubMed 29446198 (cited by Women's Health and Genetics/Laboratory Corporation of America, LabCorp and Ambry Genetics); PubMed 16758124 (cited by Ambry Genetics); PubMed 20104584 (cited by Labcorp Genetics (formerly Invitae), Labcorp); PubMed 8988179 (cited by Labcorp Genetics (formerly Invitae), Labcorp); PubMed 22923021 (cited by Labcorp Genetics (formerly Invitae), Labcorp); PubMed 25863477 (cited by Labcorp Genetics (formerly Invitae), Labcorp); PubMed 26360800 (cited by Labcorp Genetics (formerly Invitae), Labcorp).